The following is an entry in ClinVar:

NM_004369.4(COL6A3):c.4382G>A (p.Arg1461Lys)

Gene: COL6A3 (collagen type VI alpha 3 chain; minus strand). Cytogenetic location: 2q37.3.
Variant type: single nucleotide variant.
Coding change: c.4382G>A on transcript NM_004369.4 (MANE Select); coding-DNA position 4382, G replaced by A.
Protein change: p.Arg1461Lys; replaces arginine 1461 with lysine.
Molecular consequence: missense variant.
Genome position (GRCh38, 1-based): chr2:237,369,081, C>T on the plus strand (G>A on the coding strand, the complement: COL6A3 is on the minus strand). VCF-style: chr2-237369081-C-T. GRCh37 (hg19) VCF-style: chr2-238277724-C-T.
Other names: c.2561G>A, p.Arg854Lys (NM_057166.5); c.3764G>A, p.Arg1255Lys (NM_057167.4); short protein forms R1461K, R1255K, R854K.
Identifiers: ClinVar variation 960128 (VCV000960128.10), dbSNP rs2077624444, ClinGen allele CA351193491.
Genomic context (GRCh38, chr2:237,369,081, plus strand): 5'-CTGAACTGCACGACCCCAACTCTCACTTTACTGGGGCCGATGTTGAGTCTTCGAACAATC[C>T]TGCTAACAAAATCTCGAATATGTGCAAAGCCATCTGGCCTAACTCCCTCAGAGCTGTCGA-3'
Protein context (NP_004360.2, residues 1451-1471): GFAHIRDFVS[Arg1461Lys]IVRRLNIGPS

ClinVar aggregate classification (germline): Uncertain significance (1 of 4 stars; one submission).

Conditions:
Bethlem myopathy 1A. Also called: Bethlem Muscular Dystrophy; Bethlem myopathy 1; MYOPATHY, BENIGN CONGENITAL, WITH CONTRACTURES. Identifiers: Orphanet 610, MedGen CN029274, MONDO:0024530, OMIM 158810.

Submission:

Labcorp Genetics (formerly Invitae), Labcorp
Classification: Uncertain significance for Bethlem myopathy 1A. Last evaluated: 2024-10-14. Review status: criteria provided, single submitter. Criteria: Invitae Variant Classification Sherloc (09022015). Collection method: clinical testing. Allele origin: germline.
Comment: This sequence change replaces arginine, which is basic and polar, with lysine, which is basic and polar, at codon 1461 of the COL6A3 protein (p.Arg1461Lys). This variant is not present in population databases (gnomAD no frequency). This variant has not been reported in the literature in individuals affected with COL6A3-related conditions. ClinVar contains an entry for this variant (Variation ID: 960128). Invitae Evidence Modeling of protein sequence and biophysical properties (such as structural, functional, and spatial information, amino acid conservation, physicochemical variation, residue mobility, and thermodynamic stability) indicates that this missense variant is not expected to disrupt COL6A3 protein function with a negative predictive value of 80%. In summary, the available evidence is currently insufficient to determine the role of this variant in disease. Therefore, it has been classified as a Variant of Uncertain Significance.